The following is an entry in ClinVar:

ClinVar aggregate classification (germline): Uncertain significance (1 of 4 stars; one submission).

Allele frequency attached by ClinVar (database versions not stated): gnomAD 0.00001.
gnomAD v4.1: 1 of 1,612,896 alleles (0.000062%); highest among the groups gnomAD compares: Non-Finnish European, 0.000085%; no homozygotes.

Submission:

Labcorp Genetics (formerly Invitae), Labcorp
Classification: Uncertain significance. Last evaluated: 2024-03-06. Review status: criteria provided, single submitter. Criteria: Invitae Variant Classification Sherloc (09022015). Collection method: clinical testing. Allele origin: germline.
Comment: This sequence change replaces glutamine, which is neutral and polar, with glutamic acid, which is acidic and polar, at codon 507 of the SLC1A2 protein (p.Gln507Glu). This variant is present in population databases (no rsID available, gnomAD 0.0009%). This variant has not been reported in the literature in individuals affected with SLC1A2-related conditions. ClinVar contains an entry for this variant (Variation ID: 2158766). Advanced modeling of protein sequence and biophysical properties (such as structural, functional, and spatial information, amino acid conservation, physicochemical variation, residue mobility, and thermodynamic stability) performed at Invitae indicates that this missense variant is not expected to disrupt SLC1A2 protein function with a negative predictive value of 80%. In summary, the available evidence is currently insufficient to determine the role of this variant in disease. Therefore, it has been classified as a Variant of Uncertain Significance.

NM_004171.4(SLC1A2):c.1519C>G (p.Gln507Glu)

Gene: SLC1A2 (solute carrier family 1 member 2; minus strand). Cytogenetic location: 11p13.
Variant type: single nucleotide variant.
Coding change: c.1519C>G on transcript NM_004171.4 (MANE Select); coding-DNA position 1519, C replaced by G.
Protein change: p.Gln507Glu; replaces glutamine 507 with glutamic acid.
Molecular consequence: missense variant.
Genome position (GRCh38, 1-based): chr11:35,265,661, G>C on the plus strand (C>G on the coding strand, the complement: SLC1A2 is on the minus strand). VCF-style: chr11-35265661-G-C. GRCh37 (hg19) VCF-style: chr11-35287208-G-C.
Other names: c.1492C>G, p.Gln498Glu (NM_001195728.3, NM_001252652.2); short protein forms Q498E, Q507E.
Identifiers: ClinVar variation 2158766 (VCV002158766.4), dbSNP rs1196196694, ClinGen allele CA380118855.